The following is an entry in ClinVar:

ClinVar aggregate classification (germline): Uncertain significance. Review status: criteria provided, multiple submitters, no conflicts (2 of 4 stars). 10 submissions from 10 submitters: Uncertain significance (9). 1 of the submissions does not count toward it. Last evaluated 2026-09-11.

Conditions:
PMS2-related disorder. Also called: PMS2-related condition.
Lynch syndrome 4 (LYNCH4). Also called: Colorectal cancer, hereditary nonpolyposis, type 4; Hereditary non-polyposis colorectal cancer, type 4. Identifiers: Orphanet 144, MedGen C1838333, MONDO:0013699, OMIM 614337. Disease mechanism: loss of function.
Mismatch repair cancer syndrome 4. Identifiers: MedGen C5436817, MONDO:0030843, OMIM 619101.
Hereditary nonpolyposis colorectal neoplasms. Identifiers: MedGen C0009405, MeSH D003123.
Hereditary cancer-predisposing syndrome. Also called: Neoplastic Syndromes, Hereditary; Tumor predisposition; Hereditary Cancer Syndrome; Hereditary neoplastic syndrome. Identifiers: Orphanet 140162, MedGen C0027672, MeSH D009386, MONDO:0015356.
Lynch syndrome. Identifiers: Orphanet 144, MedGen C4552100, MONDO:0005835. Disease mechanism: loss of function.

Allele frequency attached by ClinVar (database versions not stated): gnomAD 0.00001; gnomAD exomes 0.00001; TOPMed 0.00001; ExAC 0.00002; ESP Exome Variant Server 0.00008.
gnomAD v4.1: 7 of 1,614,028 alleles (0.00043%); highest among the groups gnomAD compares: Admixed American, 0.0067%; no homozygotes.

Submissions (10):

PreventionGenetics, part of Exact Sciences
Classification: Uncertain significance for PMS2-related condition. Last evaluated: 2026-09-11. Review status: criteria provided, single submitter. Criteria: ACMG Guidelines, 2015. Collection method: clinical testing. Allele origin: germline.
Comment: The PMS2 c.653G>A variant is predicted to result in the amino acid substitution p.Gly218Asp. To our knowledge, this variant has not been reported in the literature. This variant is reported in 0.0058% of alleles in individuals of Latino descent in gnomAD and is interpreted as uncertain in ClinVar (Variation ID: 135071). At this time, the clinical significance of this variant is uncertain due to the absence of conclusive functional and genetic evidence.

Labcorp Genetics (formerly Invitae), Labcorp
Classification: Uncertain significance for Hereditary nonpolyposis colorectal neoplasms. Last evaluated: 2025-11-30. Review status: criteria provided, single submitter. Criteria: Invitae Variant Classification Sherloc (09022015). Collection method: clinical testing. Allele origin: germline.
Comment: This sequence change replaces glycine, which is neutral and non-polar, with aspartic acid, which is acidic and polar, at codon 218 of the PMS2 protein (p.Gly218Asp). This variant is present in population databases (rs368043334, gnomAD 0.006%). This variant has not been reported in the literature in individuals affected with PMS2-related conditions. ClinVar contains an entry for this variant (Variation ID: 135071). Invitae Evidence Modeling incorporating data from in vitro experimental studies (internal data) indicates that this missense variant is not expected to disrupt PMS2 function with a negative predictive value of 95%. In summary, the available evidence is currently insufficient to determine the role of this variant in disease. Therefore, it has been classified as a Variant of Uncertain Significance.

Ambry Genetics
Classification: Uncertain significance for Hereditary cancer-predisposing syndrome. Last evaluated: 2025-06-15. Review status: criteria provided, single submitter. Criteria: Ambry Variant Classification Scheme 2023. Collection method: clinical testing. Allele origin: germline.
Comment: The p.G218D variant (also known as c.653G>A), located in coding exon 6 of the PMS2 gene, results from a G to A substitution at nucleotide position 653. The glycine at codon 218 is replaced by aspartic acid, an amino acid with similar properties. This amino acid position is poorly conserved in available vertebrate species. In addition, this alteration is predicted to be tolerated by in silico analysis. Since supporting evidence is limited at this time, the clinical significance of this alteration remains unclear.

All of Us Research Program, National Institutes of Health
Classification: Uncertain significance for Lynch syndrome. Last evaluated: 2024-04-25. Review status: criteria provided, single submitter. Criteria: ACMG Guidelines, 2015. Collection method: clinical testing. Allele origin: germline. Inheritance: Autosomal dominant inheritance. Observed: 3 variant alleles, 3 heterozygotes.
Comment: This missense variant replaces glycine with aspartic acid at codon 218 of the PMS2 protein. Computational prediction suggests that this variant may not impact protein structure and function (internally defined REVEL score threshold <= 0.5, PMID: 27666373). Splice site prediction tools suggest that this variant may not impact RNA splicing. To our knowledge, functional studies have not been performed for this variant. This variant has not been reported in individuals affected with hereditary cancer in the literature. This variant has been identified in 3/251490 chromosomes in the general population by the Genome Aggregation Database (gnomAD). The available evidence is insufficient to determine the role of this variant in disease conclusively. Therefore, this variant is classified as a Variant of Uncertain Significance.

This study involves interpretation of variants in research participants for the purpose of population health screening. Participant phenotype was not available at the time of variant classification. Additional details can be found in publication PMID: 35346344, PMCID: PMC8962531

Color Diagnostics, LLC DBA Color Health
Classification: Uncertain significance for Hereditary cancer-predisposing syndrome. Last evaluated: 2024-04-12. Review status: criteria provided, single submitter. Criteria: ACMG Guidelines, 2015. Collection method: clinical testing. Allele origin: germline.
Comment: This missense variant replaces glycine with aspartic acid at codon 218 of the PMS2 protein. Computational prediction suggests that this variant may not impact protein structure and function (internally defined REVEL score threshold <= 0.5, PMID: 27666373). To our knowledge, functional studies have not been reported for this variant. This variant has not been reported in individuals affected with PMS2-related disorders in the literature. This variant has been identified in 3/251490 chromosomes in the general population by the Genome Aggregation Database (gnomAD). The available evidence is insufficient to determine the role of this variant in disease conclusively. Therefore, this variant is classified as a Variant of Uncertain Significance.

Baylor Genetics
Classification: Uncertain significance for Lynch syndrome 4. Last evaluated: 2023-11-29. Review status: criteria provided, single submitter. Criteria: ACMG Guidelines, 2015. Collection method: clinical testing. Allele origin: unknown.

GeneDx
Classification: Uncertain significance. Last evaluated: 2023-10-11. Review status: criteria provided, single submitter. Criteria: GeneDx Variant Classification Process June 2021. Collection method: clinical testing. Allele origin: germline. Affected: yes.
Comment: In silico analysis supports that this missense variant does not alter protein structure/function; This variant is associated with the following publications: (PMID: 11574484, 24728327)

Fulgent Genetics
Classification: Uncertain significance for Lynch syndrome 4; Mismatch repair cancer syndrome 4. Last evaluated: 2022-03-17. Review status: criteria provided, single submitter. Criteria: ACMG Guidelines, 2015. Collection method: clinical testing. Allele origin: unknown.

Quest Diagnostics Nichols Institute San Juan Capistrano
Classification: Uncertain significance. Last evaluated: 2019-07-09. Review status: criteria provided, single submitter. Criteria: Quest Diagnostics criteria. Collection method: clinical testing. Allele origin: germline.

ITMI
No classification provided. Condition: AllHighlyPenetrant. Last evaluated: 2013-09-19. Review status: no classification provided. Collection method: reference population. Allele origin: germline. Not counted in ClinVar's aggregate classification.
Comment: Please see associated publication for description of ethnicities

Literature cited by the submitters: PubMed 24728327 (cited by Quest Diagnostics Nichols Institute San Juan Capistrano and ITMI).

NM_000535.7(PMS2):c.653G>A (p.Gly218Asp)

Gene: PMS2 (PMS1 homolog 2, mismatch repair system component; minus strand). Cytogenetic location: 7p22.1.
Variant type: single nucleotide variant.
Coding change: c.653G>A on transcript NM_000535.7 (MANE Select); coding-DNA position 653, G replaced by A.
Protein change: p.Gly218Asp; replaces glycine 218 with aspartic acid.
Molecular consequence: missense variant. On other transcripts: 5 prime UTR variant (2), non-coding transcript variant (1), intron variant (1).
Genome position (GRCh38, 1-based): chr7:5,999,160, C>T on the plus strand (G>A on the coding strand, the complement: PMS2 is on the minus strand). VCF-style: chr7-5999160-C-T. GRCh37 (hg19) VCF-style: chr7-6038791-C-T.
Other names: c.248G>A, p.Gly83Asp (NM_001322003.2, NM_001322004.2, NM_001322005.2 and 2 more transcripts); c.653G>A, p.Gly218Asp (NM_001322006.2, NM_001322014.2); c.335G>A, p.Gly112Asp (NM_001322007.2, NM_001322008.2); c.-281G>A (NM_001322011.2, NM_001322012.2); c.344G>A, p.Gly115Asp (NM_001322015.2); c.133-1737G>A (NM_001322013.2); short protein forms G218D, G112D, G83D, G115D.
Identifiers: ClinVar variation 135071 (VCV000135071.31), dbSNP rs368043334, ClinGen allele CA012474.